The following is an entry in ClinVar:

NM_144999.4(LRRC45):c.1594G>A (p.Glu532Lys)

Gene: LRRC45 (leucine rich repeat containing 45; plus strand). Cytogenetic location: 17q25.3.
Variant type: single nucleotide variant.
Coding change: c.1594G>A on transcript NM_144999.4 (MANE Select); coding-DNA position 1594, G replaced by A.
Protein change: p.Glu532Lys; replaces glutamic acid 532 with lysine.
Molecular consequence: missense variant.
Genome position (GRCh38, 1-based): chr17:82,030,164, G>A. VCF-style: chr17-82030164-G-A. GRCh37 (hg19) VCF-style: chr17-79988040-G-A.
Other names: c.1594G>A (NM_144999.3); short protein forms E532K.
Identifiers: ClinVar variation 3120730 (VCV003120730.2), dbSNP rs776165522, ClinGen allele CA8848132.
Genomic context (GRCh38, chr17:82,030,164, plus strand): 5'-CTGGCGCAGGCACGGGACGAGGCGCAGGGCGCTTGCCTACAGCAGAAGCAGGTGGTGGCC[G>A]AGGCCCAGACCCGGGTCAGCCAGCTGGGCCTGCAAGTTGAGGGCCTGCGGCGGCGCCTGG-3'
Protein context (NP_659436.1, residues 522-542): ACLQQKQVVA[Glu532Lys]AQTRVSQLGL

ClinVar aggregate classification (germline): Uncertain significance. Review status: criteria provided, single submitter (1 of 4 stars). 2 submissions from 2 submitters: Uncertain significance (1). 1 of the submissions does not count toward it. Last evaluated 2024-03-01.

Conditions:
LRRC45-related disorder. Also called: LRRC45-related condition.

Allele frequency attached by ClinVar (database versions not stated): TOPMed below 0.00001; gnomAD 0.00001.
gnomAD v4.1: 11 of 1,546,752 alleles (0.00071%); highest among the groups gnomAD compares: African/African-American, 0.0014%; no homozygotes.

Submissions (2):

Ambry Genetics
Classification: Uncertain significance. Last evaluated: 2024-03-01. Review status: criteria provided, single submitter. Criteria: Ambry Variant Classification Scheme 2023. Collection method: clinical testing. Allele origin: germline.

PreventionGenetics, part of Exact Sciences
Classification: Uncertain significance for LRRC45-related condition. Last evaluated: 2024-09-07. Review status: no assertion criteria provided. Collection method: clinical testing. Allele origin: germline. Not counted in ClinVar's aggregate classification.
Comment: The LRRC45 c.1594G>A variant is predicted to result in the amino acid substitution p.Glu532Lys. To our knowledge, this variant has not been reported in the literature. This variant is reported in 0.0057% of alleles in individuals of European (Finnish) descent in gnomAD. At this time, the clinical significance of this variant is uncertain due to the absence of conclusive functional and genetic evidence.